The following is an entry in ClinVar:

ClinVar aggregate classification (germline): Uncertain significance (1 of 4 stars; one submission).

Submission:

GeneDx
Classification: Uncertain significance. Last evaluated: 2024-10-16. Review status: criteria provided, single submitter. Criteria: GeneDx Variant Classification Process June 2021. Collection method: clinical testing. Allele origin: germline. Affected: yes.
Comment: Frameshift variant predicted to result in protein truncation in a gene or region of a gene for which loss of function is not a well-established mechanism of disease; Not observed at significant frequency in large population cohorts (gnomAD); Has not been previously published as pathogenic or benign to our knowledge; This variant is associated with the following publications: (PMID: 24077912)

NM_000965.5(RARB):c.1197dup (p.Pro400fs)

Gene: RARB (retinoic acid receptor beta; plus strand). Cytogenetic location: 3p24.2.
Variant type: Duplication.
Coding change: c.1197dup on transcript NM_000965.5 (MANE Select); coding-DNA position 1197, one base duplicated (G; older notation c.1197dupG).
Protein change: p.Pro400fs; shifts the reading frame from proline 400.
Molecular consequence: frameshift variant. On other transcripts: non-coding transcript variant (2).
Genome position (GRCh38, 1-based): chr3:25,596,466, G duplicated. VCF-style (leftmost placement, unchanged base first): chr3-25596465-T-TG. GRCh37 (hg19) VCF-style: chr3-25637956-T-TG.
Other names: c.1218dup, p.Pro407fs (NM_001290216.3); c.861dup, p.Pro288fs (NM_001290217.2, NM_001290276.2, NM_016152.4); c.1050dup, p.Pro351fs (NM_001290266.2); c.1059dup, p.Pro354fs (NM_001290277.1); c.1068dup, p.Pro357fs (NM_001290300.2); short protein forms P351fs, P354fs, P357fs, P407fs, P400fs, P288fs.
Identifiers: ClinVar variation 3781002 (VCV003781002.1).